The following is an entry in ClinVar:

ClinVar aggregate classification (germline): Uncertain significance. Review status: criteria provided, multiple submitters, no conflicts (2 of 4 stars). 2 submissions from 2 submitters: Uncertain significance (2). Last evaluated 2024-03-04.

Conditions:
Leber congenital amaurosis 4 (LCA4). Identifiers: MedGen C1858386, MONDO:0011458, OMIM 604393.

Submissions (2):

Labcorp Genetics (formerly Invitae), Labcorp
Classification: Uncertain significance for Leber congenital amaurosis 4. Last evaluated: 2024-03-04. Review status: criteria provided, single submitter. Criteria: Invitae Variant Classification Sherloc (09022015). Collection method: clinical testing. Allele origin: germline.
Comment: This sequence change replaces arginine, which is basic and polar, with histidine, which is basic and polar, at codon 311 of the AIPL1 protein (p.Arg311His). This variant is not present in population databases (gnomAD no frequency). This variant has not been reported in the literature in individuals affected with AIPL1-related conditions. ClinVar contains an entry for this variant (Variation ID: 1496699). Advanced modeling of protein sequence and biophysical properties (such as structural, functional, and spatial information, amino acid conservation, physicochemical variation, residue mobility, and thermodynamic stability) has been performed at Invitae for this missense variant, however the output from this modeling did not meet the statistical confidence thresholds required to predict the impact of this variant on AIPL1 protein function. In summary, the available evidence is currently insufficient to determine the role of this variant in disease. Therefore, it has been classified as a Variant of Uncertain Significance.

Blueprint Genetics
Classification: Uncertain significance. Last evaluated: 2019-06-17. Review status: criteria provided, single submitter. Criteria: ACMG Guidelines, 2015. Collection method: clinical testing. Allele origin: germline.

NM_014336.5(AIPL1):c.932G>A (p.Arg311His)

Gene: AIPL1 (AIP like 1 HSP90 co-chaperone; minus strand). Cytogenetic location: 17p13.2.
Variant type: single nucleotide variant.
Coding change: c.932G>A on transcript NM_014336.5 (MANE Select); coding-DNA position 932, G replaced by A.
Protein change: p.Arg311His; replaces arginine 311 with histidine.
Molecular consequence: missense variant. On other transcripts: 3 prime UTR variant (1).
Genome position (GRCh38, 1-based): chr17:6,425,683, C>T on the plus strand (G>A on the coding strand, the complement: AIPL1 is on the minus strand). VCF-style: chr17-6425683-C-T. GRCh37 (hg19) VCF-style: chr17-6329003-C-T.
Other names: c.743G>A, p.Arg248His (NM_001033054.3); c.752G>A, p.Arg251His (NM_001033055.3); c.896G>A, p.Arg299His (NM_001285399.3); c.866G>A, p.Arg289His (NM_001285400.3); c.860G>A, p.Arg287His (NM_001285401.3); c.815G>A, p.Arg272His (NM_001285402.2); c.*903G>A (NM_001285403.4); short protein forms R248H, R272H, R251H, R287H, R289H, R299H, R311H.
Identifiers: ClinVar variation 1496699 (VCV001496699.9), dbSNP rs1342076335, ClinGen allele CA397394624.